The following is an entry in ClinVar:

ClinVar aggregate classification (germline): Benign. Review status: criteria provided, multiple submitters, no conflicts (2 of 4 stars). 3 submissions from 3 submitters: Benign (3). Last evaluated 2026-01-26.

Conditions:
Hereditary orotic aciduria, type 1. Also called: Orotic aciduria type 1; Oroticaciduria 1. Identifiers: MedGen C0268130.
Oroticaciduria. Also called: Orotic aciduria. Identifiers: Orphanet 30, MedGen C0268128, HP:0003218.

Allele frequency attached by ClinVar (database versions not stated): ESP Exome Variant Server 0.00923; gnomAD 0.01145 and 0.01370; TOPMed 0.01400; gnomAD exomes 0.01573 and 0.02258; ExAC 0.02232; 1000 Genomes Project 30x 0.02764; 1000 Genomes Project 0.02776.
gnomAD v4.1: 25,073 of 1,612,548 alleles (1.6%); highest among the groups gnomAD compares: East Asian, 6.1%; 362 homozygotes.

Submissions (3):

Labcorp Genetics (formerly Invitae), Labcorp
Classification: Benign for Hereditary orotic aciduria, type 1. Last evaluated: 2026-01-26. Review status: criteria provided, single submitter. Criteria: Invitae Variant Classification Sherloc (09022015). Collection method: clinical testing. Allele origin: germline.

Illumina Laboratory Services, Illumina
Classification: Benign for Hereditary orotic aciduria. Last evaluated: 2018-01-13. Review status: criteria provided, single submitter. Criteria: ICSL Variant Classification Criteria 13 December 2019. Collection method: clinical testing. Allele origin: germline.
Comment: This variant was observed in the ICSL laboratory as part of a predisposition screen in an ostensibly healthy population. It had not been previously curated by ICSL or reported in the Human Gene Mutation Database (HGMD: prior to June 1st, 2018), and was therefore a candidate for classification through an automated scoring system. Utilizing variant allele frequency, disease prevalence and penetrance estimates, and inheritance mode, an automated score was calculated to assess if this variant is too frequent to cause the disease. Based on the score and internal cut-off values, a variant classified as benign is not then subjected to further curation. The score for this variant resulted in a classification of benign for this disease.

Breakthrough Genomics
Classification: Benign. Review status: criteria provided, single submitter. Criteria: ACMG Guidelines, 2015. Collection method: not provided. Allele origin: germline. Inheritance: Autosomal recessive inheritance. Affected: yes.

NM_000373.4(UMPS):c.*28A>G

Gene: UMPS (uridine monophosphate synthetase; plus strand). Cytogenetic location: 3q21.2.
Variant type: single nucleotide variant.
Coding change: c.*28A>G on transcript NM_000373.4 (MANE Select); 28 bases downstream of the stop codon, A replaced by G.
Molecular consequence: 3 prime UTR variant. On other transcripts: non-coding transcript variant (2).
Genome position (GRCh38, 1-based): chr3:124,744,112, A>G. VCF-style: chr3-124744112-A-G. GRCh37 (hg19) VCF-style: chr3-124462959-A-G.
Identifiers: ClinVar variation 342937 (VCV000342937.14), dbSNP rs3772810, ClinGen allele CA2581905.